The following is an entry in ClinVar:

ClinVar aggregate classification (germline): Conflicting classifications of pathogenicity. Review status: criteria provided, conflicting classifications (1 of 4 stars). 2 submissions from 2 submitters: Uncertain significance (1); Likely benign (1). Last evaluated 2025-09-26.

Conditions:
Inborn genetic diseases. Identifiers: MedGen C0950123, MeSH D030342.

Allele frequency attached by ClinVar (database versions not stated): ExAC 0.00002.

Submissions (2):

Ambry Genetics
Classification: Likely benign for Inborn genetic diseases. Last evaluated: 2025-09-26. Review status: criteria provided, single submitter. Criteria: Ambry Variant Classification Scheme 2023. Collection method: clinical testing. Allele origin: germline.

Labcorp Genetics (formerly Invitae), Labcorp
Classification: Uncertain significance. Last evaluated: 2024-03-11. Review status: criteria provided, single submitter. Criteria: Invitae Variant Classification Sherloc (09022015). Collection method: clinical testing. Allele origin: germline.
Comment: This sequence change replaces methionine, which is neutral and non-polar, with valine, which is neutral and non-polar, at codon 91 of the AIMP1 protein (p.Met91Val). This variant is present in population databases (rs770399051, gnomAD 0.006%). This variant has not been reported in the literature in individuals affected with AIMP1-related conditions. ClinVar contains an entry for this variant (Variation ID: 2161960). Algorithms developed to predict the effect of missense changes on protein structure and function output the following: SIFT: "Not Available"; PolyPhen-2: "Benign"; Align-GVGD: "Not Available". The valine amino acid residue is found in multiple mammalian species, which suggests that this missense change does not adversely affect protein function. In summary, the available evidence is currently insufficient to determine the role of this variant in disease. Therefore, it has been classified as a Variant of Uncertain Significance.

NM_001142416.2(AIMP1):c.271A>G (p.Met91Val)

Gene: AIMP1 (aminoacyl tRNA synthetase complex interacting multifunctional protein 1; plus strand). Cytogenetic location: 4q24.
Variant type: single nucleotide variant.
Coding change: c.271A>G on transcript NM_001142416.2 (MANE Select); coding-DNA position 271, A replaced by G.
Protein change: p.Met91Val; replaces methionine 91 with valine.
Molecular consequence: missense variant.
Genome position (GRCh38, 1-based): chr4:106,328,123, A>G. VCF-style: chr4-106328123-A-G. GRCh37 (hg19) VCF-style: chr4-107249280-A-G.
Other names: c.271A>G, p.Met91Val (NM_001142415.2, NM_004757.4); c.271A>G (NM_004757.3); short protein forms M91V.
Identifiers: ClinVar variation 2161960 (VCV002161960.4), dbSNP rs770399051, ClinGen allele CA3035672.
Genomic context (GRCh38, chr4:106,328,123, plus strand): 5'-TTTTCTGTCTCAGTGAAGCAAATACCATTTCCATCTGGTACTCCACTGCACGCTAATTCT[A>G]TGGTTTCTGAAAATGTGATACAGTCTACAGCAGTAACAACCGTATCTTCTGGTACCAAAG-3'
Protein context (NP_001135888.2, residues 81-101): PSGTPLHANS[Met91Val]VSENVIQSTA